The following is an entry in ClinVar:

ClinVar aggregate classification (germline): Uncertain significance (1 of 4 stars; one submission).

Conditions:
Hearing loss, autosomal dominant 88. Also called: Deafness, autosomal dominant 88. Identifiers: MedGen C5830355, MONDO:0859527, OMIM 620283.

gnomAD v4.1: 3 of 1,304,390 alleles (0.00023%); highest among the groups gnomAD compares: Non-Finnish European, 0.00029%; no homozygotes.

Submission:

OLLIN Analises Genomicas, OLLIN
Classification: Uncertain significance for Hearing loss, autosomal dominant 88. Last evaluated: 2026-08-06. Review status: criteria provided, single submitter. Criteria: ACMG Guidelines 2015 PMID 25741868. Collection method: clinical testing. Allele origin: germline. Inheritance: Autosomal dominant inheritance.
Comment: This missense variant, located in exon 4 (of 17), has been observed in gnomAD with an allele frequency of 0.00023%, but has not been reported in ClinVar or identified in the literature. In silico analysis predicts that this variant has a deleterious effect. According to the currently available evidence, this variant has been classified as uncertain significance (PP3_M).

NM_001099439.2(EPHA10):c.868T>C (p.Tyr290His)

Gene: EPHA10 (EPH receptor A10; minus strand). Cytogenetic location: 1p34.3.
Variant type: single nucleotide variant.
Coding change: c.868T>C on transcript NM_001099439.2 (MANE Select); coding-DNA position 868, T replaced by C.
Protein change: p.Tyr290His; replaces tyrosine 290 with histidine.
Molecular consequence: missense variant.
Genome position (GRCh38, 1-based): chr1:37,754,353, A>G on the plus strand (T>C on the coding strand, the complement: EPHA10 is on the minus strand). VCF-style: chr1-37754353-A-G. GRCh37 (hg19) VCF-style: chr1-38220025-A-G.
Other names: short protein forms Y290H.
Identifiers: ClinVar variation 5002818 (VCV005002818.1).